The following is an entry in ClinVar:

ClinVar aggregate classification (germline): Uncertain significance (1 of 4 stars; one submission).

gnomAD v4.1: 18 of 1,612,466 alleles (0.0011%); highest among the groups gnomAD compares: African/African-American, 0.0053%; no homozygotes.

Submission:

CeGaT Center for Human Genetics Tuebingen
Classification: Uncertain significance. Last evaluated: 2026-09-01. Review status: criteria provided, single submitter. Criteria: CeGaT Center For Human Genetics Tuebingen Variant Classification Criteria Version 2. Collection method: clinical testing. Allele origin: germline. Affected: yes. Observed: 1 variant allele.
Comment: TSPOAP1: PM2, BP4

NM_004758.4(TSPOAP1):c.4214G>A (p.Arg1405Gln)

Gene: TSPOAP1 (TSPO associated protein 1; minus strand). Cytogenetic location: 17q22.
Variant type: single nucleotide variant.
Coding change: c.4214G>A on transcript NM_004758.4 (MANE Select); coding-DNA position 4214, G replaced by A.
Protein change: p.Arg1405Gln; replaces arginine 1405 with glutamine.
Molecular consequence: missense variant.
Genome position (GRCh38, 1-based): chr17:58,309,058, C>T on the plus strand (G>A on the coding strand, the complement: TSPOAP1 is on the minus strand). VCF-style: chr17-58309058-C-T. GRCh37 (hg19) VCF-style: chr17-56386419-C-T.
Other names: c.4214G>A, p.Arg1405Gln (NM_001261835.2); c.4034G>A, p.Arg1345Gln (NM_024418.3); short protein forms R1345Q, R1405Q.
Identifiers: ClinVar variation 5041087 (VCV005041087.1).